The following is an entry in ClinVar:

NM_031885.5(BBS2):c.1700del (p.Ile567fs)

Gene: BBS2 (Bardet-Biedl syndrome 2; minus strand). Cytogenetic location: 16q13.
Variant type: Deletion.
Coding change: c.1700del on transcript NM_031885.5 (MANE Select); coding-DNA position 1700, one base deleted (T; older notation c.1700delT).
Protein change: p.Ile567fs; shifts the reading frame from isoleucine 567.
Molecular consequence: frameshift variant. On other transcripts: non-coding transcript variant (5).
Genome position (GRCh38, 1-based): chr16:56,497,840, A deleted on the plus strand (T on the coding strand, the reverse complement: BBS2 is on the minus strand). VCF-style (leftmost placement, unchanged base first): chr16-56497839-GA-G. GRCh37 (hg19) VCF-style: chr16-56531751-GA-G.
Other names: c.1700del, p.Ile567fs (NM_001377456.1); short protein forms I567fs.
Identifiers: ClinVar variation 1725966 (VCV001725966.2), dbSNP rs2543698536, ClinGen allele CA2580091643.
Genomic context (GRCh38, chr16:56,497,839, plus strand): 5'-AGGAAAATCCGCTTCTACTTGAAGGTCTTCAATAGCAAAAAATGATGCCATTGACTGGAT[GA>G]TATCACCAGCCAAATCAATATCATCAGTATTTATAGTGATCTACCCAGAGAAAAAATAGA-3'

ClinVar aggregate classification (germline): Likely pathogenic (1 of 4 stars; one submission).

Conditions:
Bardet-Biedl syndrome 2 (BBS2). Identifiers: Orphanet 110, MedGen C2936863, MONDO:0014432, OMIM 615981.

Submission:

Myriad Genetics, Inc.
Classification: Likely pathogenic for Bardet-Biedl syndrome 2. Last evaluated: 2022-04-26. Review status: criteria provided, single submitter. Criteria: Myriad Women's Health Autosomal Recessive and X-Linked Classification Criteria (2021). Collection method: clinical testing. Allele origin: unknown.
Comment: NM_031885.3(BBS2):c.1700delT(I567Tfs*16) is expected to be pathogenic in the context of Bardet-Biedl syndrome, BBS2-related. This variant is predicted to lead to an abnormal or absent protein product due to the creation of a premature termination codon in BBS2, a gene where loss-of-function variants are known to be pathogenic. Please note: this variant was assessed in the context of healthy population screening.